The following is an entry in ClinVar:

NM_004655.4(AXIN2):c.712G>A (p.Asp238Asn)

Gene: AXIN2 (axin 2; minus strand). Cytogenetic location: 17q24.1.
Variant type: single nucleotide variant.
Coding change: c.712G>A on transcript NM_004655.4 (MANE Select); coding-DNA position 712, G replaced by A.
Protein change: p.Asp238Asn; replaces aspartic acid 238 with asparagine.
Molecular consequence: missense variant.
Genome position (GRCh38, 1-based): chr17:65,557,909, C>T on the plus strand (G>A on the coding strand, the complement: AXIN2 is on the minus strand). VCF-style: chr17-65557909-C-T. GRCh37 (hg19) VCF-style: chr17-63554027-C-T.
Other names: c.712G>A (LRG_296t1); c.712G>A, p.Asp238Asn (NM_001363813.1); short protein forms D238N.
Identifiers: ClinVar variation 642686 (VCV000642686.18), dbSNP rs1279069233, ClinGen allele CA400680429.
Genomic context (GRCh38, chr17:65,557,909, plus strand): 5'-TGGCCCTCAGAGTTTTGCTGGACAAGCCAACCACGGTTGGCGAAAGTTTGCACTTGAAGT[C>T]GGCACAAGTCCACTCCTCTTCTTCATTCAAGGTGGGGAGATAGCCACACACGACCTTTAG-3'
Protein context (NP_004646.3, residues 228-248): LNEEEEWTCA[Asp238Asn]FKCKLSPTVV

ClinVar aggregate classification (germline): Uncertain significance. Review status: criteria provided, multiple submitters, no conflicts (2 of 4 stars). 5 submissions from 5 submitters: Uncertain significance (5). Last evaluated 2026-02-05.

Conditions:
AXIN2-related disorder.
Colorectal cancer. Also called: Malignant Colorectal Neoplasm; Colorectal cancer, somatic. Identifiers: MedGen C0346629, MONDO:0005575, OMIM 114500.
Hereditary cancer-predisposing syndrome. Also called: Neoplastic Syndromes, Hereditary; Tumor predisposition; Hereditary neoplastic syndrome; Hereditary Cancer Syndrome. Identifiers: Orphanet 140162, MedGen C0027672, MeSH D009386, MONDO:0015356.
Oligodontia-cancer predisposition syndrome. Also called: TOOTH AGENESIS-COLORECTAL CANCER SYNDROME. Identifiers: Orphanet 300576, MedGen C1837750, MONDO:0012075, OMIM 608615. Disease mechanism: loss of function.

Allele frequency attached by ClinVar (database versions not stated): gnomAD exomes below 0.00001; gnomAD 0.00001; TOPMed 0.00003.
gnomAD v4.1: 3 of 1,614,020 alleles (0.00019%); highest among the groups gnomAD compares: East Asian, 0.0022%; no homozygotes.

Submissions (5):

PreventionGenetics, part of Exact Sciences
Classification: Uncertain significance for AXIN2-related condition. Last evaluated: 2026-02-05. Review status: criteria provided, single submitter. Criteria: ACMG Guidelines, 2015. Collection method: clinical testing. Allele origin: germline.
Comment: The AXIN2 c.712G>A variant is predicted to result in the amino acid substitution p.Asp238Asn. To our knowledge, this variant has not been reported in the literature. This variant is reported in 0.0054% of alleles in individuals of East Asian descent in gnomAD and is classified as uncertain in ClinVar (Variation ID: 642686). At this time, the clinical significance of this variant is uncertain due to the absence of conclusive functional and genetic evidence.

Labcorp Genetics (formerly Invitae), Labcorp
Classification: Uncertain significance for Oligodontia-cancer predisposition syndrome. Last evaluated: 2025-06-12. Review status: criteria provided, single submitter. Criteria: Invitae Variant Classification Sherloc (09022015). Collection method: clinical testing. Allele origin: germline.
Comment: This sequence change replaces aspartic acid, which is acidic and polar, with asparagine, which is neutral and polar, at codon 238 of the AXIN2 protein (p.Asp238Asn). This variant is present in population databases (no rsID available, gnomAD 0.006%). This variant has not been reported in the literature in individuals affected with AXIN2-related conditions. ClinVar contains an entry for this variant (Variation ID: 642686). Invitae Evidence Modeling of protein sequence and biophysical properties (such as structural, functional, and spatial information, amino acid conservation, physicochemical variation, residue mobility, and thermodynamic stability) indicates that this missense variant is not expected to disrupt AXIN2 protein function with a negative predictive value of 80%. In summary, the available evidence is currently insufficient to determine the role of this variant in disease. Therefore, it has been classified as a Variant of Uncertain Significance.

Quest Diagnostics Nichols Institute San Juan Capistrano
Classification: Uncertain significance. Last evaluated: 2025-03-06. Review status: criteria provided, single submitter. Criteria: Quest Diagnostics criteria. Collection method: clinical testing. Allele origin: unknown.
Comment: The AXIN2 c.712G>A (p.Asp238Asn) variant has been reported in the somatic state in an individual with gastric dysplasia (PMID: 25820416 (2015)). The frequency of this variant in the general population, 0.000054 (1/251414 chromosomes), is uninformative in assessment of its pathogenicity. Analysis of this variant using bioinformatics tools for the prediction of the effect of amino acid changes on protein structure and function yielded conflicting predictions that this variant is benign or damaging. Based on the available information, we are unable to determine the clinical significance of this variant.

Ambry Genetics
Classification: Uncertain significance for Hereditary cancer-predisposing syndrome. Last evaluated: 2024-09-08. Review status: criteria provided, single submitter. Criteria: Ambry Variant Classification Scheme 2023. Collection method: clinical testing. Allele origin: germline.

Baylor Genetics
Classification: Uncertain significance for Colorectal cancer. Last evaluated: 2023-07-21. Review status: criteria provided, single submitter. Criteria: ACMG Guidelines, 2015. Collection method: clinical testing. Allele origin: unknown.

Literature cited by the submitters: PubMed 25820416 (cited by Quest Diagnostics Nichols Institute San Juan Capistrano).